The following is an entry in ClinVar:

NM_006767.4(LZTR1):c.2441A>G (p.Gln814Arg)

Gene: LZTR1 (leucine zipper like post translational regulator 1; plus strand). Cytogenetic location: 22q11.21.
Variant type: single nucleotide variant.
Coding change: c.2441A>G on transcript NM_006767.4 (MANE Select); coding-DNA position 2441, A replaced by G.
Protein change: p.Gln814Arg; replaces glutamine 814 with arginine.
Molecular consequence: missense variant.
Genome position (GRCh38, 1-based): chr22:20,997,266, A>G. VCF-style: chr22-20997266-A-G. GRCh37 (hg19) VCF-style: chr22-21351555-A-G.
Other names: c.2441A>G (NM_006767.3); short protein forms Q814R.
Identifiers: ClinVar variation 2847455 (VCV002847455.4), dbSNP rs2518626696, ClinGen allele CA410781623.
Genomic context (GRCh38, chr22:20,997,266, plus strand): 5'-CTCCTTCCGGCCTGCTTGCCTTACAGGTCTCCAAGTTGCCCACCCTGCGGTCGCTGAGCC[A>G]GCAGCTGCTGCTGGACATCATAGACTCCCTGGCCTCCCACATCTCAGACAAGCAGTGCGC-3'
Protein context (NP_006758.2, residues 804-824): SKLPTLRSLS[Gln814Arg]QLLLDIIDSL

ClinVar aggregate classification (germline): Uncertain significance. Review status: criteria provided, multiple submitters, no conflicts (2 of 4 stars). 2 submissions from 2 submitters: Uncertain significance (2). Last evaluated 2023-11-01.

Conditions:
Hereditary cancer-predisposing syndrome. Also called: Neoplastic Syndromes, Hereditary; Hereditary Cancer Syndrome; Tumor predisposition; Hereditary neoplastic syndrome. Identifiers: Orphanet 140162, MedGen C0027672, MeSH D009386, MONDO:0015356.
Cardiovascular phenotype. Identifiers: MedGen CN230736.

Submissions (2):

Ambry Genetics
Classification: Uncertain significance for Cardiovascular phenotype; Hereditary cancer-predisposing syndrome. Last evaluated: 2023-11-01. Review status: criteria provided, single submitter. Criteria: Ambry Variant Classification Scheme 2023. Collection method: clinical testing. Allele origin: germline.
Comment: The p.Q814R variant (also known as c.2441A>G), located in coding exon 21 of the LZTR1 gene, results from an A to G substitution at nucleotide position 2441. The glutamine at codon 814 is replaced by arginine, an amino acid with highly similar properties. This amino acid position is conserved. In addition, this alteration is predicted to be tolerated by in silico analysis. Since supporting evidence is limited at this time, the clinical significance of this alteration remains unclear.

Labcorp Genetics (formerly Invitae), Labcorp
Classification: Uncertain significance. Last evaluated: 2023-09-25. Review status: criteria provided, single submitter. Criteria: Invitae Variant Classification Sherloc (09022015). Collection method: clinical testing. Allele origin: germline.
Comment: Advanced modeling of protein sequence and biophysical properties (such as structural, functional, and spatial information, amino acid conservation, physicochemical variation, residue mobility, and thermodynamic stability) performed at Invitae indicates that this missense variant is not expected to disrupt LZTR1 protein function. In summary, the available evidence is currently insufficient to determine the role of this variant in disease. Therefore, it has been classified as a Variant of Uncertain Significance. This variant has not been reported in the literature in individuals affected with LZTR1-related conditions. This variant is not present in population databases (gnomAD no frequency). This sequence change replaces glutamine, which is neutral and polar, with arginine, which is basic and polar, at codon 814 of the LZTR1 protein (p.Gln814Arg).